The following is an entry in ClinVar:

NM_001256317.3(TMPRSS3):c.244T>G (p.Ser82Ala)

Gene: TMPRSS3 (transmembrane serine protease 3; minus strand). Cytogenetic location: 21q22.3.
Variant type: single nucleotide variant.
Coding change: c.244T>G on transcript NM_001256317.3 (MANE Select); coding-DNA position 244, T replaced by G.
Protein change: p.Ser82Ala; replaces serine 82 with alanine.
Molecular consequence: missense variant. On other transcripts: 5 prime UTR variant (1).
Genome position (GRCh38, 1-based): chr21:42,389,007, A>C on the plus strand (T>G on the coding strand, the complement: TMPRSS3 is on the minus strand). VCF-style: chr21-42389007-A-C. GRCh37 (hg19) VCF-style: chr21-43809116-A-C.
Other names: c.244T>G, p.Ser82Ala (NM_024022.4, NM_032405.2); c.-138T>G (NM_032404.3); short protein forms S82A.
Identifiers: ClinVar variation 2501377 (VCV002501377.1), dbSNP rs2517137117, ClinGen allele CA410375720.
Genomic context (GRCh38, chr21:42,389,007, plus strand): 5'-CCCCGTCTTTGCAATCCGAGACTCCGTCACATCGAGCTATCAGCTCGATACACTTAAAGG[A>C]TGAGCGACATCTGTACTTCCCTGAGCAGTCGAAGTGGACTGGGAAAAGGGAGGAAGGCAG-3'
Protein context (NP_001243246.1, residues 72-92): DCSGKYRCRS[Ser82Ala]FKCIELIARC

ClinVar aggregate classification (germline): Uncertain significance (1 of 4 stars; one submission).

Submission:

GeneDx
Classification: Uncertain significance. Last evaluated: 2022-11-02. Review status: criteria provided, single submitter. Criteria: GeneDx Variant Classification Process June 2021. Collection method: clinical testing. Allele origin: germline. Affected: yes.
Comment: Not observed at significant frequency in large population cohorts (gnomAD); In silico analysis supports that this missense variant does not alter protein structure/function; Has not been previously published as pathogenic or benign to our knowledge